The following is an entry in ClinVar:

ClinVar aggregate classification (germline): Likely benign (1 of 4 stars; one submission).

Allele frequency attached by ClinVar (database versions not stated): 1000 Genomes Project 30x 0.00094; 1000 Genomes Project 0.00100; TOPMed 0.00405; ESP Exome Variant Server 0.00438; gnomAD 0.00441; ExAC 0.00495.
gnomAD v4.1: 9,701 of 1,612,570 alleles (0.6%); highest among the groups gnomAD compares: Non-Finnish European, 0.75%; 43 homozygotes.

Submission:

CeGaT Center for Human Genetics Tuebingen
Classification: Likely benign. Last evaluated: 2023-02-01. Review status: criteria provided, single submitter. Criteria: CeGaT Center For Human Genetics Tuebingen Variant Classification Criteria Version 2. Collection method: clinical testing. Allele origin: germline. Affected: yes. Observed: 1 variant allele.
Comment: SLC39A11: BP4, BP7, BS2

NM_139177.4(SLC39A11):c.60G>A (p.Gly20=)

Gene: SLC39A11 (solute carrier family 39 member 11; minus strand). Cytogenetic location: 17q25.1.
Variant type: single nucleotide variant.
Coding change: c.60G>A on transcript NM_139177.4 (MANE Select); coding-DNA position 60, G replaced by A.
Protein change: p.Gly20=; no amino-acid change (glycine 20 retained).
Molecular consequence: synonymous variant.
Genome position (GRCh38, 1-based): chr17:73,088,705, C>T on the plus strand (G>A on the coding strand, the complement: SLC39A11 is on the minus strand). VCF-style: chr17-73088705-C-T. GRCh37 (hg19) VCF-style: chr17-71084844-C-T.
Other names: c.60G>A, p.Gly20= (NM_001159770.2, NM_001352691.2, NM_001352692.2 and 1 more transcripts).
Identifiers: ClinVar variation 2648172 (VCV002648172.24), dbSNP rs146208211, ClinGen allele CA8739613.
Genomic context (GRCh38, chr17:73,088,705, plus strand): 5'-AAGGCAACTCACCTGTCCACTAGAGAATACGAACACGAGAGCTGCCCCAGCTGCTGTCAT[C>T]CCCCAGGTGAAGAAGGTCCCCAGCAAGGCCTGGAACACAGAGCTGTGGCCTTGGAGCATG-3'
Protein context (NP_631916.2, residues 10-30): QALLGTFFTW[Gly20=]MTAAGAALVF